The following is an entry in ClinVar:

ClinVar aggregate classification (germline): Uncertain significance (1 of 4 stars; one submission).

Submission:

Ambry Genetics
Classification: Uncertain significance. Last evaluated: 2024-12-15. Review status: criteria provided, single submitter. Criteria: Ambry Variant Classification Scheme 2023. Collection method: clinical testing. Allele origin: germline.
Comment: The p.R37C variant (also known as c.109C>T), located in coding exon 1 of the CDK12 gene, results from a C to T substitution at nucleotide position 109. The arginine at codon 37 is replaced by cysteine, an amino acid with highly dissimilar properties. This amino acid position is conserved. In addition, the in silico prediction for this alteration is inconclusive. Based on the available evidence, the clinical significance of this variant remains unclear.

NM_016507.4(CDK12):c.109C>T (p.Arg37Cys)

Genes: CDK12 (cyclin dependent kinase 12; plus strand), LOC126862553 (CDK7 strongly-dependent group 2 enhancer GRCh37_chr17:37618166-37619365; plus strand). Cytogenetic location: 17q12.
Variant type: single nucleotide variant.
Coding change: c.109C>T on transcript NM_016507.4 (MANE Select); coding-DNA position 109, C replaced by T.
Protein change: p.Arg37Cys; replaces arginine 37 with cysteine.
Molecular consequence: missense variant.
Genome position (GRCh38, 1-based): chr17:39,462,180, C>T. VCF-style: chr17-39462180-C-T. GRCh37 (hg19) VCF-style: chr17-37618433-C-T.
Other names: c.109C>T, p.Arg37Cys (NM_015083.4); short protein forms R37C.
Identifiers: ClinVar variation 3830351 (VCV003830351.1).